The following is an entry in ClinVar:

NM_001364905.1(LRBA):c.8116C>G (p.Gln2706Glu)

Gene: LRBA (LPS responsive beige-like anchor protein; minus strand). Cytogenetic location: 4q31.3.
Variant type: single nucleotide variant.
Coding change: c.8116C>G on transcript NM_001364905.1 (MANE Select); coding-DNA position 8116, C replaced by G.
Protein change: p.Gln2706Glu; replaces glutamine 2706 with glutamic acid.
Molecular consequence: missense variant.
Genome position (GRCh38, 1-based): chr4:150,285,936, G>C on the plus strand (C>G on the coding strand, the complement: LRBA is on the minus strand). VCF-style: chr4-150285936-G-C. GRCh37 (hg19) VCF-style: chr4-151207088-G-C.
Other names: c.8113C>G, p.Gln2705Glu (NM_001199282.3); c.8131C>G, p.Gln2711Glu (NM_001367550.1); c.8149C>G, p.Gln2717Glu (NM_006726.5); short protein forms Q2705E, Q2706E, Q2711E, Q2717E.
Identifiers: ClinVar variation 1026399 (VCV001026399.6), dbSNP rs1274254064, ClinGen allele CA358441463.

ClinVar aggregate classification (germline): Uncertain significance (1 of 4 stars; one submission).

Conditions:
Combined immunodeficiency due to LRBA deficiency. Also called: Common variable immunodeficiency 8, with autoimmunity. Identifiers: Orphanet 445018, MedGen C3553512, MONDO:0013863, OMIM 614700.

Allele frequency attached by ClinVar (database versions not stated): TOPMed below 0.00001.
gnomAD v4.1: 1 of 1,565,484 alleles (0.000064%); highest among the groups gnomAD compares: African/African-American, 0.0014%; no homozygotes.

Submission:

Labcorp Genetics (formerly Invitae), Labcorp
Classification: Uncertain significance for Combined immunodeficiency due to LRBA deficiency. Last evaluated: 2022-09-01. Review status: criteria provided, single submitter. Criteria: Invitae Variant Classification Sherloc (09022015). Collection method: clinical testing. Allele origin: germline.
Comment: This sequence change replaces glutamine, which is neutral and polar, with glutamic acid, which is acidic and polar, at codon 2717 of the LRBA protein (p.Gln2717Glu). This variant is not present in population databases (gnomAD no frequency). This variant has not been reported in the literature in individuals affected with LRBA-related conditions. ClinVar contains an entry for this variant (Variation ID: 1026399). Algorithms developed to predict the effect of missense changes on protein structure and function (SIFT, PolyPhen-2, Align-GVGD) all suggest that this variant is likely to be tolerated. In summary, the available evidence is currently insufficient to determine the role of this variant in disease. Therefore, it has been classified as a Variant of Uncertain Significance.